The following is an entry in ClinVar:

ClinVar aggregate classification (germline): Conflicting classifications of pathogenicity. Review status: criteria provided, conflicting classifications (1 of 4 stars). 3 submissions from 3 submitters: Likely pathogenic (1); Uncertain significance (1). 1 of the submissions does not count toward it. Last evaluated 2026-08-17.

Conditions:
Severe combined immunodeficiency, autosomal recessive, T cell-negative, B cell-negative, NK cell-negative, due to adenosine deaminase deficiency. Also called: ADA-SCID; SCID DUE TO ADA DEFICIENCY; SCID DUE TO ADA DEFICIENCY, EARLY-ONSET; Adenosine Deaminase Deficiency; ADA deficiency; Adenosine deaminase deficient severe combined immunodeficiency. Identifiers: Orphanet 277, MedGen C0392607, MONDO:0007064, OMIM 102700.

Submissions (3):

Myriad Genetics, Inc.
Classification: Uncertain significance for Severe combined immunodeficiency, autosomal recessive, T cell-negative, B cell-negative, NK cell-negative, due to adenosine deaminase deficiency. Last evaluated: 2026-08-17. Review status: criteria provided, single submitter. Criteria: Myriad Autosomal Dominant, Autosomal Recessive and X-Linked Classification Criteria (2023). Collection method: clinical testing. Allele origin: unknown.
Comment: NM_000022.2(ADA):c.362+5_362+8delGTGA is an intronic variant classified as a variant of uncertain significance in the context of adenosine deaminase deficiency. c.362+5_362+8delGTGA has not been observed in cases with relevant disease. Relevant functional assessments of this variant are not available in the literature. c.362+5_362+8delGTGA has been observed in referenced population frequency databases. In summary, there is insufficient evidence to classify NM_000022.2(ADA):c.362+5_362+8delGTGA as pathogenic or benign. Please note: this variant was assessed in the context of healthy population screening.

GeneDx
Classification: Likely pathogenic. Last evaluated: 2013-09-20. Review status: criteria provided, single submitter. Criteria: GeneDx Variant Classification (06012015). Collection method: clinical testing. Allele origin: germline. Affected: yes.
Comment: The L107P missense variant in the ADA gene has been reported previously in association with ADA-SCID (Hirschhorn et al., 1990). This variant was also shown to abolish normal protein function. To our knowledge, the c.362+(5_8)delGTGA splice site variant has neither been published as a pathogenic variant, nor reported as a benign polymorphism. This variant was not observed in approximately 6,500 individuals of European and African American ancestry in the an external variant database, indicating it is not a common benign variant in these populations. Multiple in silico splice algorithms predict that this variant abolishes the normal splice donor site in intron 4, which would cause abnormal gene splicing, either leading to an abnormal message that is subject to nonsense-mediated mRNA decay, or to an abnormal protein product if the message is used for protein translation. Therefore, c.362+(5_8)delGTGA is a strong candidate for a pathogenic variant, however the possibility that it is a benign variant cannot be excluded.

Laboratory of Research in Genomics, Genetics and Bioinformatics, Hospital Infantil de Mexico Federico Gomez
Classification: Likely pathogenic for Severe combined immunodeficiency, autosomal recessive, T cell-negative, B cell-negative, NK cell-negative, due to adenosine deaminase deficiency. Last evaluated: 2025-04-08. Review status: no assertion criteria provided. Collection method: research. Allele origin: germline. Affected: yes. Not counted in ClinVar's aggregate classification.

NM_000022.4(ADA):c.362+5_362+8del

Gene: ADA (adenosine deaminase; minus strand). Cytogenetic location: 20q13.12.
Variant type: Microsatellite.
Coding change: c.362+5_362+8del on transcript NM_000022.4 (MANE Select); bases 5 to 8 of the intron after coding-DNA position 362, 4 bases deleted (GTGA; older notation c.362+5_362+8delGTGA).
Molecular consequence: splice donor variant.
Genome position (GRCh38, 1-based): chr20:44,626,448-44,626,451, TCAC deleted on the plus strand (GTGA on the coding strand, the reverse complement: ADA is on the minus strand); deleting any 4 consecutive bases within chr20:44,626,448-44,626,458 gives the same sequence; the c. name uses the placement nearest the transcript's 3' end. VCF-style (leftmost placement, unchanged base first): chr20-44626447-ATCAC-A. GRCh37 (hg19) VCF-style: chr20-43255088-ATCAC-A.
Other names: c.362+5_362+8delGTGA (NM_000022.2); c.73+5_73+8del (NM_001322050.2); c.362+5_362+8del (NM_001322051.2).
Identifiers: ClinVar variation 417999 (VCV000417999.7), dbSNP rs763595926, ClinGen allele CA9871694.
Genomic context (GRCh38, chr20:44,626,447, plus strand): 5'-CCTTCCAGTCTCAGAGCTGAGCCTCCCAGCCACACCCTCAGCATGGCCCCTTCCAGGCCC[ATCAC>A]TCACTCAGCCTGGTTCCAGGGGATTGGCTCCACTTTGGAGTTGGCCAGCAGGTGCGGACT-3'